The following is an entry in ClinVar:

ClinVar aggregate classification (germline): Pathogenic/Likely pathogenic. Review status: criteria provided, multiple submitters, no conflicts (2 of 4 stars). 2 submissions from 2 submitters: Pathogenic (1); Likely pathogenic (1). Last evaluated 2024-05-08.

Conditions:
VPS13A-related neurodegenerative disease. Also called: LEVINE-CRITCHLEY SYNDROME; Choreoacanthocytosis; Chorea-acanthocytosis; VPS13A Disease; ACANTHOCYTOSIS WITH NEUROLOGIC DISORDER; Choreaacanthocytosis. Identifiers: Orphanet 2388, MedGen C0393576, MONDO:0008695, OMIM 200150.

Submissions (2):

Natera, Inc.
Classification: Likely pathogenic for Choreaacanthocytosis. Last evaluated: 2024-05-08. Review status: criteria provided, single submitter. Criteria: Natera Variant Classification Schema (03/2026). Collection method: clinical testing. Allele origin: germline.
Comment: The c.217_218del variant in VPS13A is a frameshift variant predicted to shift the reading frame beginning at codon 73 and leads to a stop codon 7 codons downstream. This variant is expected to result in nonsense mediated decay, truncation, or a dysfunctional protein product. This variant is rare in the general population with a frequency below the threshold expected for the associated phenotype(s). Given the available evidence, this variant is classified as Likely Pathogenic.

Labcorp Genetics (formerly Invitae), Labcorp
Classification: Pathogenic. Last evaluated: 2023-02-13. Review status: criteria provided, single submitter. Criteria: Invitae Variant Classification Sherloc (09022015). Collection method: clinical testing. Allele origin: germline.
Comment: For these reasons, this variant has been classified as Pathogenic. This variant has not been reported in the literature in individuals affected with VPS13A-related conditions. This variant is not present in population databases (gnomAD no frequency). This sequence change creates a premature translational stop signal (p.Asn73Profs*7) in the VPS13A gene. It is expected to result in an absent or disrupted protein product. Loss-of-function variants in VPS13A are known to be pathogenic (PMID: 12404112, 21598378).

Literature cited by the submitters: PubMed 12404112 (cited by Labcorp Genetics (formerly Invitae), Labcorp); PubMed 21598378 (cited by Labcorp Genetics (formerly Invitae), Labcorp).

NM_033305.3(VPS13A):c.217_218del (p.Asn73fs)

Gene: VPS13A (vacuolar protein sorting 13 homolog A; plus strand). Cytogenetic location: 9q21.2.
Variant type: Deletion.
Coding change: c.217_218del on transcript NM_033305.3 (MANE Select); coding-DNA positions 217 to 218, 2 bases deleted (AA; older notation c.217_218delAA).
Protein change: p.Asn73fs; shifts the reading frame from asparagine 73.
Molecular consequence: frameshift variant.
Genome position (GRCh38, 1-based): chr9:77,205,342-77,205,343, AA deleted; deleting any 2 consecutive bases within chr9:77,205,339-77,205,343 gives the same sequence; the c. name uses the placement nearest the transcript's 3' end. VCF-style (leftmost placement, unchanged base first): chr9-77205338-GAA-G. GRCh37 (hg19) VCF-style: chr9-79820254-GAA-G.
Other names: c.217_218del (NM_033305.2); c.217_218del, p.Asn73fs (NM_001018037.2, NM_001018038.3, NM_015186.4); short protein forms N73fs.
Identifiers: ClinVar variation 2872550 (VCV002872550.4), dbSNP rs1825576567, ClinGen allele CA2739269350.